The following is an entry in ClinVar:

ClinVar aggregate classification (germline): Conflicting classifications of pathogenicity. Review status: criteria provided, conflicting classifications (1 of 4 stars). 4 submissions from 4 submitters: Likely pathogenic (1); Uncertain significance (2). 1 of the submissions does not count toward it. Last evaluated 2026-01-06.

Conditions:
Seizure. Also called: Seizures. Identifiers: MedGen C0036572, HP:0001250.
Global developmental delay (DD). Also called: Cognitive delay. Identifiers: MedGen C0557874, HP:0001263. Disease mechanism: loss of function.
Developmental and epileptic encephalopathy, 13 (DEE13). Also called: Early infantile epileptic encephalopathy 13; SCN8A-Related Epilepsy; Developmental and Epileptic Encephalopathy (SCN8A-DEE). Identifiers: Orphanet 442835, MedGen C3281191, MONDO:0013801, OMIM 614558.

Submissions (4):

GeneDx
Classification: Uncertain significance. Last evaluated: 2026-01-06. Review status: criteria provided, single submitter. Criteria: GeneDx Variant Classification Process June 2021. Collection method: clinical testing. Allele origin: germline. Affected: yes.
Comment: Not observed at significant frequency in large population cohorts (gnomAD); In silico analysis supports that this missense variant has a deleterious effect on protein structure/function; This substitution is predicted to be within the Extracellular loop between the S5 and S6 transmembrane segments of the third homologous domain; Has not been previously published as pathogenic or benign to our knowledge

Service de Génétique Médicale, Centre Hospitalier Universitaire de Nice-Université Côte d'Azur
Classification: Likely pathogenic for Developmental and epileptic encephalopathy, 13. Last evaluated: 2024-02-27. Review status: criteria provided, single submitter. Criteria: ACMG Guidelines, 2015. Collection method: clinical testing. Allele origin: germline. Affected: yes.

Institute for Clinical Genetics, University Hospital TU Dresden, University Hospital TU Dresden
Classification: Uncertain significance. Last evaluated: 2022-07-14. Review status: criteria provided, single submitter. Criteria: ACMG Guidelines, 2015. Collection method: clinical testing. Allele origin: germline.
Comment: PP3, PM2_SUP, PP2

Cytogénomique, Hospices Civils de Lyon
Classification: Likely pathogenic for Seizure; Global developmental delay. Review status: no assertion criteria provided. Collection method: clinical testing. Allele origin: maternal. Inheritance: Autosomal recessive inheritance. Affected: yes. Not counted in ClinVar's aggregate classification.
Comment: In slico predictions are in favor of a LOF mechanism which is consitent with the parents' phenotype.

Literature cited by the submitters: PubMed 38703036 (cited by Service de Génétique Médicale, Centre Hospitalier Universitaire de Nice-Université Côte d'Azur).

NM_001330260.2(SCN8A):c.4115A>G (p.Asn1372Ser)

Gene: SCN8A (sodium voltage-gated channel alpha subunit 8; plus strand). Cytogenetic location: 12q13.13.
Variant type: single nucleotide variant.
Coding change: c.4115A>G on transcript NM_001330260.2 (MANE Select); coding-DNA position 4115, A replaced by G.
Protein change: p.Asn1372Ser; replaces asparagine 1372 with serine.
Molecular consequence: missense variant.
Genome position (GRCh38, 1-based): chr12:51,786,714, A>G. VCF-style: chr12-51786714-A-G. GRCh37 (hg19) VCF-style: chr12-52180498-A-G.
Other names: c.3992A>G, p.Asn1331Ser (NM_001177984.3, NM_001369788.1); c.4115A>G, p.Asn1372Ser (NM_014191.4); short protein forms N1331S, N1372S.
Identifiers: ClinVar variation 1236196 (VCV001236196.7), dbSNP rs2138904379, ClinGen allele CA384905943.
Genomic context (GRCh38, chr12:51,786,714, plus strand): 5'-AGTACCACTACTGCTTTAATGAGACTTCTGAAATCCGATTTGAAATTGAAGATGTCAACA[A>G]TAAAACTGAATGTGAAAAGCTTATGGAGGGGAACAATACAGAGATCAGATGGAAGAACGT-3'
Protein context (NP_001317189.1, residues 1362-1382): EIRFEIEDVN[Asn1372Ser]KTECEKLMEG